The following is an entry in ClinVar:

ClinVar aggregate classification (germline): Uncertain significance (1 of 4 stars; one submission).

Submission:

Labcorp Genetics (formerly Invitae), Labcorp
Classification: Uncertain significance. Last evaluated: 2022-03-10. Review status: criteria provided, single submitter. Criteria: Invitae Variant Classification Sherloc (09022015). Collection method: clinical testing. Allele origin: germline.
Comment: This sequence change replaces leucine, which is neutral and non-polar, with phenylalanine, which is neutral and non-polar, at codon 315 of the MAPKAPK3 protein (p.Leu315Phe). The frequency data for this variant in the population databases is considered unreliable, as metrics indicate poor data quality at this position in the gnomAD database. This variant has not been reported in the literature in individuals affected with MAPKAPK3-related conditions. ClinVar contains an entry for this variant (Variation ID: 1003841). Algorithms developed to predict the effect of missense changes on protein structure and function are either unavailable or do not agree on the potential impact of this missense change (SIFT: "Deleterious"; PolyPhen-2: "Probably Damaging"; Align-GVGD: "Class C15"). In summary, the available evidence is currently insufficient to determine the role of this variant in disease. Therefore, it has been classified as a Variant of Uncertain Significance.

NM_001243925.2(MAPKAPK3):c.943C>T (p.Leu315Phe)

Gene: MAPKAPK3 (MAPK activated protein kinase 3; plus strand). Cytogenetic location: 3p21.2.
Variant type: single nucleotide variant.
Coding change: c.943C>T on transcript NM_001243925.2 (MANE Select); coding-DNA position 943, C replaced by T.
Protein change: p.Leu315Phe; replaces leucine 315 with phenylalanine.
Molecular consequence: missense variant.
Genome position (GRCh38, 1-based): chr3:50,647,150, C>T. VCF-style: chr3-50647150-C-T. GRCh37 (hg19) VCF-style: chr3-50684581-C-T.
Other names: c.943C>T, p.Leu315Phe (NM_001243926.2, NM_004635.5); short protein forms L315F.
Identifiers: ClinVar variation 1003841 (VCV001003841.5), dbSNP rs868590760, ClinGen allele CA74628898.